The following is an entry in ClinVar:

NM_004100.5(EYA4):c.*4T>C

Genes: EYA4 (EYA transcriptional coactivator and phosphatase 4; plus strand), TARID (TCF21 antisense RNA inducing promoter demethylation; minus strand). Cytogenetic location: 6q23.2.
Variant type: single nucleotide variant.
Coding change: c.*4T>C on transcript NM_004100.5 (MANE Select); 4 bases downstream of the stop codon, T replaced by C.
Molecular consequence: 3 prime UTR variant.
Genome position (GRCh38, 1-based): chr6:133,528,809, T>C. VCF-style: chr6-133528809-T-C. GRCh37 (hg19) VCF-style: chr6-133849947-T-C.
Other names: c.*4T>C (NM_001301012.2, NM_001301013.2, NM_001370458.1 and 3 more transcripts).
Identifiers: ClinVar variation 4987090 (VCV004987090.1).

ClinVar aggregate classification (germline): Likely benign (1 of 4 stars; one submission).

Conditions:
EYA4-related disorder. Also called: EYA4-related condition; EYA4-related disorders. Identifiers: MedGen CN239388.

gnomAD v4.1: 8 of 1,613,500 alleles (0.0005%); highest among the groups gnomAD compares: Admixed American, 0.0083%; no homozygotes.

Submission:

PreventionGenetics, part of Exact Sciences
Classification: Likely benign for EYA4-related condition. Last evaluated: 2026-05-17. Review status: criteria provided, single submitter. Criteria: ACMG Guidelines, 2015. Collection method: clinical testing. Allele origin: germline.
Comment: This variant is classified as likely benign based on ACMG/AMP sequence variant interpretation guidelines (Richards et al. 2015 PMID: 25741868, with internal and published modifications).